The following is an entry in ClinVar:

NM_000222.3(KIT):c.2851G>A (p.Val951Ile)

Gene: KIT (KIT proto-oncogene, receptor tyrosine kinase; plus strand). Cytogenetic location: 4q12.
Variant type: single nucleotide variant.
Coding change: c.2851G>A on transcript NM_000222.3 (MANE Select); coding-DNA position 2851, G replaced by A.
Protein change: p.Val951Ile; replaces valine 951 with isoleucine.
Molecular consequence: missense variant.
Genome position (GRCh38, 1-based): chr4:54,738,477, G>A. VCF-style: chr4-54738477-G-A. GRCh37 (hg19) VCF-style: chr4-55604643-G-A.
Other names: c.2839G>A, p.Val947Ile (NM_001093772.2, NM_001385292.1); c.2854G>A, p.Val952Ile (NM_001385284.1); c.2848G>A, p.Val950Ile (NM_001385285.1); c.2836G>A, p.Val946Ile (NM_001385286.1); c.2842G>A, p.Val948Ile (NM_001385288.1); c.2851G>A, p.Val951Ile (NM_001385290.1); short protein forms V951I, V947I, V946I, V948I, V950I, V952I.
Identifiers: ClinVar variation 528552 (VCV000528552.19), dbSNP rs745651409, ClinGen allele CA2923884.

ClinVar aggregate classification (germline): Conflicting classifications of pathogenicity. Review status: criteria provided, conflicting classifications (1 of 4 stars). 5 submissions from 5 submitters: Uncertain significance (3); Likely benign (2). Last evaluated 2026-06-02.

Conditions:
Hereditary cancer-predisposing syndrome. Also called: Hereditary neoplastic syndrome; Hereditary Cancer Syndrome; Neoplastic Syndromes, Hereditary; Tumor predisposition. Identifiers: Orphanet 140162, MedGen C0027672, MeSH D009386, MONDO:0015356.
KIT-related disorder. Also called: KIT-related condition.
Gastrointestinal stromal tumor. Also called: Gastrointestinal stroma tumor; Gastrointestinal stromal tumor, somatic. Identifiers: Orphanet 44890, MedGen C0238198, MeSH D046152, MONDO:0011719, OMIM 606764, HP:0100723.

Allele frequency attached by ClinVar (database versions not stated): TOPMed below 0.00001; ExAC 0.00001; gnomAD 0.00001; gnomAD exomes 0.00001 and 0.00002.
gnomAD v4.1: 11 of 1,613,956 alleles (0.00068%); highest among the groups gnomAD compares: South Asian, 0.0011%; 1 homozygote.

Submissions (5):

Myriad Genetics, Inc.
Classification: Likely benign for Gastrointestinal stromal tumor. Last evaluated: 2026-06-02. Review status: criteria provided, single submitter. Criteria: Myriad Autosomal Dominant, Autosomal Recessive and X-Linked Classification Criteria (2023). Collection method: clinical testing. Allele origin: unknown.
Comment: This variant is considered likely benign. This variant has been observed at a population frequency that is significantly greater than expected given the associated disease prevalence and penetrance.

Labcorp Genetics (formerly Invitae), Labcorp
Classification: Uncertain significance for Gastrointestinal stromal tumor. Last evaluated: 2025-09-30. Review status: criteria provided, single submitter. Criteria: Invitae Variant Classification Sherloc (09022015). Collection method: clinical testing. Allele origin: germline.
Comment: This sequence change replaces valine, which is neutral and non-polar, with isoleucine, which is neutral and non-polar, at codon 951 of the KIT protein (p.Val951Ile). This variant is present in population databases (rs745651409, gnomAD 0.002%). This variant has not been reported in the literature in individuals affected with KIT-related conditions. ClinVar contains an entry for this variant (Variation ID: 528552). An algorithm developed to predict the effect of missense changes on protein structure and function (PolyPhen-2) suggests that this variant is likely to be tolerated. In summary, the available evidence is currently insufficient to determine the role of this variant in disease. Therefore, it has been classified as a Variant of Uncertain Significance.

PreventionGenetics, part of Exact Sciences
Classification: Uncertain significance for KIT-related condition. Last evaluated: 2025-09-02. Review status: criteria provided, single submitter. Criteria: ACMG Guidelines, 2015. Collection method: clinical testing. Allele origin: germline.
Comment: The KIT c.2851G>A variant is predicted to result in the amino acid substitution p.Val951Ile. To our knowledge, this variant has not been reported in the literature. This variant is reported in 0.0018% of alleles in individuals of European (Non-Finnish) descent in gnomAD. This variant is interpreted as a variant of uncertain significance in ClinVar (Variation ID: 528552). At this time, the clinical significance of this variant is uncertain due to the absence of conclusive functional and genetic evidence.

Ambry Genetics
Classification: Uncertain significance for Hereditary cancer-predisposing syndrome. Last evaluated: 2024-09-19. Review status: criteria provided, single submitter. Criteria: Ambry Variant Classification Scheme 2023. Collection method: clinical testing. Allele origin: germline.
Comment: The p.V951I variant (also known as c.2851G>A), located in coding exon 21 of the KIT gene, results from a G to A substitution at nucleotide position 2851. The valine at codon 951 is replaced by isoleucine, an amino acid with highly similar properties. This amino acid position is not well conserved in available vertebrate species. In addition, this alteration is predicted to be tolerated by in silico analysis. Since supporting evidence is limited at this time, the clinical significance of this alteration remains unclear.

Blueprint Genetics
Classification: Likely benign. Last evaluated: 2024-07-01. Review status: criteria provided, single submitter. Criteria: ACMG Guidelines, 2015. Collection method: clinical testing. Allele origin: germline.